The following is an entry in ClinVar:

NM_022841.7(RFX7):c.*5875T>C

Gene: RFX7 (regulatory factor X7; minus strand). Cytogenetic location: 15q21.3.
Variant type: single nucleotide variant.
Coding change: c.*5875T>C on transcript NM_022841.7 (MANE Select); 5875 bases downstream of the stop codon, T replaced by C.
Molecular consequence: 3 prime UTR variant. On other transcripts: stop lost (1).
Genome position (GRCh38, 1-based): chr15:56,087,470, A>G on the plus strand (T>C on the coding strand, the complement: RFX7 is on the minus strand). VCF-style: chr15-56087470-A-G. GRCh37 (hg19) VCF-style: chr15-56379668-A-G.
Other names: c.*5875T>C (NM_001368073.2, NM_001368074.1, NM_001370561.1); c.3844T>C, p.Ter1282Arg (NM_001370554.1).
Identifiers: ClinVar variation 4883090 (VCV004883090.2).

ClinVar aggregate classification (germline): Uncertain significance (1 of 4 stars; one submission).

Submission:

Dasa
Classification: Uncertain significance. Last evaluated: 2025-09-20. Review status: criteria provided, single submitter. Criteria: DASA Assertion Criteria. Collection method: clinical testing. Allele origin: germline.
Comment: NM_001370554.1(RFX7):c.3844T>C (p.*1282Argext*13) is a nonsense variant in RFX7 predicted to introduce a premature termination codon. This variant is absent from population databases. The currently available literature and clinical evidence are not sufficient to establish a definitive association between this variant and the reported condition. Therefore, this variant is classified as a variant of uncertain significance.